The following is an entry in ClinVar:

ClinVar aggregate classification (germline): Uncertain significance. Review status: criteria provided, multiple submitters, no conflicts (2 of 4 stars). 3 submissions from 3 submitters: Uncertain significance (3). Last evaluated 2025-10-17.

Conditions:
Atrial conduction disease. Identifiers: Orphanet 436242, MedGen CN221670, MONDO:0014500.
Inborn genetic diseases. Identifiers: MedGen C0950123, MeSH D030342.

Allele frequency attached by ClinVar (database versions not stated): gnomAD exomes below 0.00001; TOPMed below 0.00001; ExAC 0.00001; gnomAD 0.00001.
gnomAD v4.1: 4 of 1,613,198 alleles (0.00025%); highest among the groups gnomAD compares: Non-Finnish European, 0.00034%; no homozygotes.

Submissions (3):

Ambry Genetics
Classification: Uncertain significance for Inborn genetic diseases. Last evaluated: 2025-10-17. Review status: criteria provided, single submitter. Criteria: Ambry Variant Classification Scheme 2023. Collection method: clinical testing. Allele origin: germline.

Genome-Nilou Lab
Classification: Uncertain significance for Cardiac conduction disease with or without dilated cardiomyopathy 1. Last evaluated: 2023-04-11. Review status: criteria provided, single submitter. Criteria: ACMG Guidelines, 2015. Collection method: clinical testing. Allele origin: germline. Affected: no.

Labcorp Genetics (formerly Invitae), Labcorp
Classification: Uncertain significance. Last evaluated: 2023-03-24. Review status: criteria provided, single submitter. Criteria: Invitae Variant Classification Sherloc (09022015). Collection method: clinical testing. Allele origin: germline.
Comment: This sequence change replaces leucine, which is neutral and non-polar, with arginine, which is basic and polar, at codon 97 of the TNNI3K protein (p.Leu97Arg). This variant is present in population databases (rs746891147, gnomAD 0.0009%). This variant has not been reported in the literature in individuals affected with TNNI3K-related conditions. ClinVar contains an entry for this variant (Variation ID: 1922747). Advanced modeling of protein sequence and biophysical properties (such as structural, functional, and spatial information, amino acid conservation, physicochemical variation, residue mobility, and thermodynamic stability) performed at Invitae indicates that this missense variant is not expected to disrupt TNNI3K protein function. In summary, the available evidence is currently insufficient to determine the role of this variant in disease. Therefore, it has been classified as a Variant of Uncertain Significance.

NM_015978.3(TNNI3K):c.290T>G (p.Leu97Arg)

Genes: FPGT-TNNI3K (FPGT-TNNI3K readthrough; plus strand), TNNI3K (TNNI3 interacting kinase; plus strand). Cytogenetic location: 1p31.1.
Variant type: single nucleotide variant.
Coding change: c.290T>G on transcript NM_015978.3 (MANE Select); coding-DNA position 290, T replaced by G.
Protein change: p.Leu97Arg; replaces leucine 97 with arginine.
Molecular consequence: missense variant.
Genome position (GRCh38, 1-based): chr1:74,250,726, T>G. VCF-style: chr1-74250726-T-G. GRCh37 (hg19) VCF-style: chr1-74716410-T-G.
Other names: c.593T>G, p.Leu198Arg (NM_001112808.3, NM_001199327.2); short protein forms L97R, L198R.
Identifiers: ClinVar variation 1922747 (VCV001922747.8), dbSNP rs746891147, ClinGen allele CA908846.
Genomic context (GRCh38, chr1:74,250,726, plus strand): 5'-TTTAAGGCAAGAAATCACATATTCGAACTCTTATGTTGAAAGGGCTCCGCCCATCTCGAC[T>G]GACAAGAAATGGATTTACAGCCTTGCATTTAGCAGTTTACAAGGTAGGACACTTTAATTC-3'
Protein context (NP_057062.1, residues 87-107): LMLKGLRPSR[Leu97Arg]TRNGFTALHL